The following is an entry in ClinVar:

NM_001364905.1(LRBA):c.7342A>T (p.Thr2448Ser)

Gene: LRBA (LPS responsive beige-like anchor protein; minus strand). Cytogenetic location: 4q31.3.
Variant type: single nucleotide variant.
Coding change: c.7342A>T on transcript NM_001364905.1 (MANE Select); coding-DNA position 7342, A replaced by T.
Protein change: p.Thr2448Ser; replaces threonine 2448 with serine.
Molecular consequence: missense variant.
Genome position (GRCh38, 1-based): chr4:150,350,012, T>A on the plus strand (A>T on the coding strand, the complement: LRBA is on the minus strand). VCF-style: chr4-150350012-T-A. GRCh37 (hg19) VCF-style: chr4-151271164-T-A.
Other names: c.7342A>T, p.Thr2448Ser (NM_001199282.3, NM_001367550.1); c.7375A>T, p.Thr2459Ser (NM_006726.5); short protein forms T2448S, T2459S.
Identifiers: ClinVar variation 1481985 (VCV001481985.6), dbSNP rs2127055052, ClinGen allele CA358605165.

ClinVar aggregate classification (germline): Uncertain significance (1 of 4 stars; one submission).

Conditions:
Combined immunodeficiency due to LRBA deficiency. Also called: Common variable immunodeficiency 8, with autoimmunity. Identifiers: Orphanet 445018, MedGen C3553512, MONDO:0013863, OMIM 614700.

Submission:

Labcorp Genetics (formerly Invitae), Labcorp
Classification: Uncertain significance for Combined immunodeficiency due to LRBA deficiency. Last evaluated: 2024-02-17. Review status: criteria provided, single submitter. Criteria: Invitae Variant Classification Sherloc (09022015). Collection method: clinical testing. Allele origin: germline.
Comment: This sequence change replaces threonine, which is neutral and polar, with serine, which is neutral and polar, at codon 2459 of the LRBA protein (p.Thr2459Ser). This variant is not present in population databases (gnomAD no frequency). This variant has not been reported in the literature in individuals affected with LRBA-related conditions. ClinVar contains an entry for this variant (Variation ID: 1481985). Advanced modeling of protein sequence and biophysical properties (such as structural, functional, and spatial information, amino acid conservation, physicochemical variation, residue mobility, and thermodynamic stability) performed at Invitae indicates that this missense variant is not expected to disrupt LRBA protein function with a negative predictive value of 80%. In summary, the available evidence is currently insufficient to determine the role of this variant in disease. Therefore, it has been classified as a Variant of Uncertain Significance.